The following is an entry in ClinVar:

NM_000059.4(BRCA2):c.7758G>T (p.Trp2586Cys)

Gene: BRCA2 (BRCA2 DNA repair associated; plus strand). Cytogenetic location: 13q13.1.
Variant type: single nucleotide variant.
Coding change: c.7758G>T on transcript NM_000059.4 (MANE Select); coding-DNA position 7758, G replaced by T.
Protein change: p.Trp2586Cys; replaces tryptophan 2586 with cysteine.
Molecular consequence: missense variant.
Genome position (GRCh38, 1-based): chr13:32,357,882, G>T. VCF-style: chr13-32357882-G-T. GRCh37 (hg19) VCF-style: chr13-32932019-G-T.
Other names: short protein forms W2586C.
Identifiers: ClinVar variation 1057394 (VCV001057394.11), dbSNP rs80359004, ClinGen allele CA387745820.

ClinVar aggregate classification (germline): Uncertain significance (1 of 4 stars; one submission).

Conditions:
Hereditary breast ovarian cancer syndrome. Also called: Hereditary breast and/or ovarian cancer syndrome; Hereditary breast and ovarian cancer syndrome; Hereditary breast and ovarian cancer syndrome (HBOC); Breast and ovarian cancer; Hereditary breast and ovarian cancer; BRCA1- and BRCA2-Associated Hereditary Breast and Ovarian Cancer. Identifiers: Orphanet 145, MedGen C0677776, MeSH D061325, MONDO:0003582. Disease mechanism: loss of function.

Submission:

Labcorp Genetics (formerly Invitae), Labcorp
Classification: Uncertain significance for Hereditary breast ovarian cancer syndrome. Last evaluated: 2020-02-08. Review status: criteria provided, single submitter. Criteria: Invitae Variant Classification Sherloc (09022015). Collection method: clinical testing. Allele origin: germline.
Comment: In summary, the available evidence is currently insufficient to determine the role of this variant in disease. Therefore, it has been classified as a Variant of Uncertain Significance. Algorithms developed to predict the effect of missense changes on protein structure and function (SIFT, PolyPhen-2, Align-GVGD) all suggest that this variant is likely to be disruptive, but these predictions have not been confirmed by published functional studies and their clinical significance is uncertain. This missense change has been observed in individual(s) with breast cancer (PMID: 30287823). This variant is not present in population databases (ExAC no frequency). This sequence change replaces tryptophan with cysteine at codon 2586 of the BRCA2 protein (p.Trp2586Cys). The tryptophan residue is highly conserved and there is a large physicochemical difference between tryptophan and cysteine.

Literature cited by the submitters: PubMed 30287823.